The following is an entry in ClinVar:

ClinVar aggregate classification (germline): Uncertain significance (1 of 4 stars; one submission).

Submission:

Labcorp Genetics (formerly Invitae), Labcorp
Classification: Uncertain significance. Last evaluated: 2023-07-29. Review status: criteria provided, single submitter. Criteria: Invitae Variant Classification Sherloc (09022015). Collection method: clinical testing. Allele origin: germline.
Comment: In summary, the available evidence is currently insufficient to determine the role of this variant in disease. Therefore, it has been classified as a Variant of Uncertain Significance. An algorithm developed to predict the effect of missense changes on protein structure and function (PolyPhen-2) suggests that this variant is likely to be disruptive. This variant has not been reported in the literature in individuals affected with NLRP1-related conditions. This variant is not present in population databases (gnomAD no frequency). This sequence change replaces aspartic acid, which is acidic and polar, with glycine, which is neutral and non-polar, at codon 68 of the NLRP1 protein (p.Asp68Gly).

NM_033004.4(NLRP1):c.203A>G (p.Asp68Gly)

Gene: NLRP1 (NLR family pyrin domain containing 1; minus strand). Cytogenetic location: 17p13.2.
Variant type: single nucleotide variant.
Coding change: c.203A>G on transcript NM_033004.4 (MANE Select); coding-DNA position 203, A replaced by G.
Protein change: p.Asp68Gly; replaces aspartic acid 68 with glycine.
Molecular consequence: missense variant.
Genome position (GRCh38, 1-based): chr17:5,583,755, T>C on the plus strand (A>G on the coding strand, the complement: NLRP1 is on the minus strand). VCF-style: chr17-5583755-T-C. GRCh37 (hg19) VCF-style: chr17-5487075-T-C.
Other names: c.203A>G, p.Asp68Gly (NM_001033053.3, NM_014922.5, NM_033006.4 and 1 more transcripts); short protein forms D68G.
Identifiers: ClinVar variation 2748218 (VCV002748218.3), dbSNP rs2508143115, ClinGen allele CA397390881.